The following is an entry in ClinVar:

ClinVar aggregate classification (germline): Benign/Likely benign. Review status: criteria provided, multiple submitters, no conflicts (2 of 4 stars). 7 submissions from 7 submitters: Benign (4); Likely benign (2). 1 of the submissions does not count toward it. Last evaluated 2026-02-02.

Conditions:
Inborn mitochondrial myopathy. Also called: Mitochondrial myopathy; Mitochondrial Myopathies. Identifiers: Orphanet 206966, MedGen C0162670, MONDO:0009637, HP:0003737.
Sideroblastic anemia. Also called: Sideroblastic anaemia. Identifiers: Orphanet 1047, MedGen C0002896, MONDO:0015194, HP:0001924.
Myopathy, lactic acidosis, and sideroblastic anemia 1 (MLASA1). Identifiers: Orphanet 2598, MedGen C4551958, MONDO:0024553, OMIM 600462.

Allele frequency attached by ClinVar (database versions not stated): gnomAD exomes 0.00025 and 0.00079; ExAC 0.00100; 1000 Genomes Project 30x 0.00172; 1000 Genomes Project 0.00180; gnomAD 0.00303 and 0.00332; TOPMed 0.00334; ESP Exome Variant Server 0.00377.

Submissions (7):

Labcorp Genetics (formerly Invitae), Labcorp
Classification: Benign. Last evaluated: 2026-02-02. Review status: criteria provided, single submitter. Criteria: Invitae Variant Classification Sherloc (09022015). Collection method: clinical testing. Allele origin: germline.

CeGaT Center for Human Genetics Tuebingen
Classification: Likely benign. Last evaluated: 2025-06-01. Review status: criteria provided, single submitter. Criteria: CeGaT Center For Human Genetics Tuebingen Variant Classification Criteria Version 2. Collection method: clinical testing. Allele origin: germline. Affected: yes. Observed: 1 variant allele.
Comment: PUS1: BP4, BP7, BS1

Blueprint Genetics
Classification: Likely benign. Last evaluated: 2024-10-18. Review status: criteria provided, single submitter. Criteria: ACMG Guidelines, 2015. Collection method: clinical testing. Allele origin: germline.

Illumina Laboratory Services, Illumina
Classification: Benign for Myopathy, lactic acidosis, and sideroblastic anemia 1. Last evaluated: 2018-01-13. Review status: criteria provided, single submitter. Criteria: ICSL Variant Classification Criteria 13 December 2019. Collection method: clinical testing. Allele origin: germline.
Comment: This variant was observed in the ICSL laboratory as part of a predisposition screen in an ostensibly healthy population. It had not been previously curated by ICSL or reported in the Human Gene Mutation Database (HGMD: prior to June 1st, 2018), and was therefore a candidate for classification through an automated scoring system. Utilizing variant allele frequency, disease prevalence and penetrance estimates, and inheritance mode, an automated score was calculated to assess if this variant is too frequent to cause the disease. Based on the score and internal cut-off values, a variant classified as benign is not then subjected to further curation. The score for this variant resulted in a classification of benign for this disease.

GeneDx
Classification: Benign. Last evaluated: 2014-04-25. Review status: criteria provided, single submitter. Criteria: GeneDx Variant Classification (06012015). Collection method: clinical testing. Allele origin: germline. Affected: yes.
Comment: This variant is considered likely benign or benign based on one or more of the following criteria: it is a conservative change, it occurs at a poorly conserved position in the protein, it is predicted to be benign by multiple in silico algorithms, and/or has population frequency not consistent with disease.

Breakthrough Genomics
Classification: Benign. Review status: criteria provided, single submitter. Criteria: ACMG Guidelines, 2015. Collection method: not provided. Allele origin: germline. Inheritance: Autosomal recessive inheritance. Affected: yes.

Natera, Inc.
Classification: Benign for Mitochondrial myopathy; sideroblastic anemia. Last evaluated: 2020-09-16. Review status: no assertion criteria provided. Collection method: clinical testing. Allele origin: germline. Not counted in ClinVar's aggregate classification.

NM_025215.6(PUS1):c.345C>T (p.Asp115=)

Genes: PUS1 (pseudouridine synthase 1; plus strand), LOC132090059 (Neanderthal introgressed variant-containing enhancer experimental_25941; plus strand). Cytogenetic location: 12q24.33.
Variant type: single nucleotide variant.
Coding change: c.345C>T on transcript NM_025215.6 (MANE Select); coding-DNA position 345, C replaced by T.
Protein change: p.Asp115=; no amino-acid change (aspartic acid 115 retained).
Molecular consequence: synonymous variant.
Genome position (GRCh38, 1-based): chr12:131,932,216, C>T. VCF-style: chr12-131932216-C-T. GRCh37 (hg19) VCF-style: chr12-132416761-C-T.
Other names: p.D115D:GAC>GAT; c.261C>T, p.Asp87= (NM_001002019.3, NM_001002020.3).
Identifiers: ClinVar variation 138857 (VCV000138857.26), dbSNP rs145798848, ClinGen allele CA293002.